The following is an entry in ClinVar:

NM_002024.6(FMR1):c.1231G>A (p.Ala411Thr)

Gene: FMR1 (fragile X messenger ribonucleoprotein 1; plus strand). Cytogenetic location: Xq27.3.
Variant type: single nucleotide variant.
Coding change: c.1231G>A on transcript NM_002024.6 (MANE Select); coding-DNA position 1231, G replaced by A.
Protein change: p.Ala411Thr; replaces alanine 411 with threonine.
Molecular consequence: missense variant. On other transcripts: non-coding transcript variant (2).
Genome position (GRCh38, 1-based): chrX:147,940,618, G>A. VCF-style: chrX-147940618-G-A. GRCh37 (hg19) VCF-style: chrX-147022137-G-A.
Other names: c.1231G>A, p.Ala411Thr (NM_001185075.2); c.1168G>A, p.Ala390Thr (NM_001185076.2, NM_001185081.2, NM_001185082.2); short protein forms A390T, A411T.
Identifiers: ClinVar variation 3030246 (VCV003030246.2), dbSNP rs2187601, ClinGen allele CA10536306.
Genomic context (GRCh38, chrX:147,940,618, plus strand): 5'-TTGCAATTTCTTTTTCAGGGTATGGTACCATTTGTTTTTGTGGGAACAAAGGACAGCATC[G>A]CTAATGCCACTGTTCTTTTGGATTATCACCTGAACTATTTAAAGGTGAGAACAGAAAGAA-3'
Protein context (NP_002015.1, residues 401-421): FVFVGTKDSI[Ala411Thr]NATVLLDYHL

ClinVar aggregate classification (germline): Likely benign (0 of 4 stars; one submission).

Conditions:
FMR1-related disorder. Also called: FMR1-related condition.

Allele frequency attached by ClinVar (database versions not stated): gnomAD 0.00002; gnomAD exomes 0.00005; TOPMed 0.00005; ExAC 0.00008.
gnomAD v4.1: 51 of 1,203,066 alleles (0.0042%); highest among the groups gnomAD compares: Admixed American, 0.035%; no homozygotes.

Submission:

PreventionGenetics, part of Exact Sciences
Classification: Likely benign for FMR1-related condition. Last evaluated: 2022-06-13. Review status: no assertion criteria provided. Collection method: clinical testing. Allele origin: germline.
Comment: This variant is classified as likely benign based on ACMG/AMP sequence variant interpretation guidelines (Richards et al. 2015 PMID: 25741868, with internal and published modifications).